The following is an entry in ClinVar:

NM_006648.4(WNK2):c.346C>T (p.Pro116Ser)

Gene: WNK2 (WNK lysine deficient protein kinase 2; plus strand). Cytogenetic location: 9q22.31.
Variant type: single nucleotide variant.
Coding change: c.346C>T on transcript NM_006648.4 (MANE Select); coding-DNA position 346, C replaced by T.
Protein change: p.Pro116Ser; replaces proline 116 with serine.
Molecular consequence: missense variant.
Genome position (GRCh38, 1-based): chr9:93,185,275, C>T. VCF-style: chr9-93185275-C-T. GRCh37 (hg19) VCF-style: chr9-95947557-C-T.
Other names: c.346C>T, p.Pro116Ser (NM_001282394.3); short protein forms P116S.
Identifiers: ClinVar variation 4844909 (VCV004844909.1).

ClinVar aggregate classification (germline): Uncertain significance (1 of 4 stars; one submission).

Submission:

Ambry Genetics
Classification: Uncertain significance. Last evaluated: 2026-02-17. Review status: criteria provided, single submitter. Criteria: Ambry Variant Classification Scheme 2023. Collection method: clinical testing. Allele origin: germline.
Comment: The p.P116S variant (also known as c.346C>T), located in coding exon 1 of the WNK2 gene, results from a C to T substitution at nucleotide position 346. The proline at codon 116 is replaced by serine, an amino acid with similar properties. This amino acid position is conserved. In addition, this alteration is predicted to be tolerated by in silico analysis. Based on the available evidence, the clinical significance of this variant remains unclear.